The following is an entry in ClinVar:

NM_004183.4(BEST1):c.652C>T (p.Arg218Cys)

Gene: BEST1 (bestrophin 1; plus strand). Cytogenetic location: 11q12.3.
Variant type: single nucleotide variant.
Coding change: c.652C>T on transcript NM_004183.4 (MANE Select); coding-DNA position 652, C replaced by T.
Protein change: p.Arg218Cys; replaces arginine 218 with cysteine.
Molecular consequence: missense variant. On other transcripts: non-coding transcript variant (1).
Genome position (GRCh38, 1-based): chr11:61,957,402, C>T. VCF-style: chr11-61957402-C-T. GRCh37 (hg19) VCF-style: chr11-61724874-C-T.
Other names: c.472C>T, p.Arg158Cys (NM_001139443.3, NM_001300786.2, NM_001300787.2); c.334C>T, p.Arg112Cys (NM_001363591.3); c.652C>T, p.Arg218Cys (NM_001363592.2); c.-524C>T (NM_001363593.3); short protein forms R218C, R158C, R112C.
Identifiers: ClinVar variation 99735 (VCV000099735.22), dbSNP rs281865238, ClinGen allele CA227795.
Genomic context (GRCh38, chr11:61,957,402, plus strand): 5'-GGGCAGGTGGTGTTCAGAACCCCATCCCCCTCTTCTGCCCCCCAGGAGATGAACACCTTG[C>T]GTACTCAGTGTGGACACCTGTATGCCTACGACTGGATTAGTATCCCACTGGTGTATACAC-3'
Protein context (NP_004174.1, residues 208-228): QSLLNEMNTL[Arg218Cys]TQCGHLYAYD

ClinVar aggregate classification (germline): Pathogenic/Likely pathogenic. Review status: criteria provided, multiple submitters, no conflicts (2 of 4 stars). 10 submissions from 10 submitters: Pathogenic (7); Likely pathogenic (1). 2 of the submissions do not count toward it. Last evaluated 2026-03-27.

Conditions:
Retinal dystrophy. Also called: Inherited retinal dystrophy. Identifiers: Orphanet 71862, MedGen C0854723, MeSH D058499, MONDO:0019118, HP:0000556.
Vitelliform macular dystrophy 2. Also called: Best Macular Dystrophy; Best vitelliform macular dystrophy, multifocal; Best Vitelliform Macular Dystrophy (BVMD); MACULAR DEGENERATION, POLYMORPHIC VITELLINE; VITELLIFORM MACULAR DYSTROPHY, EARLY-ONSET; VITELLIFORM MACULAR DYSTROPHY, JUVENILE-ONSET. Identifiers: Orphanet 1243, MedGen C2745945, MONDO:0007931, OMIM 153700.
BEST1-related disorder. Also called: BEST1-related disorders; BEST1-related condition. Identifiers: MedGen CN239200.
Retinal disorder. Also called: Retinopathies; Retinal Diseases; Retinal disorders; Retinopathy. Identifiers: MedGen C0035309, MONDO:0005283, HP:0000488.
Autosomal dominant vitreoretinochoroidopathy. Also called: VITREORETINOCHOROIDOPATHY, AUTOSOMAL DOMINANT, WITH NANOPHTHALMOS; Autosomal Dominant Vitreoretinochoroidopathy (ADVIRC); VITREORETINOCHOROIDOPATHY WITH MICROCORNEA, GLAUCOMA, AND CATARACT. Identifiers: Orphanet 263347, Orphanet 3086, MedGen C3888099, MONDO:0008662, OMIM 193220.
Autosomal recessive bestrophinopathy. Also called: Autosomal Recessive Bestrophinopathy (ARB). Identifiers: Orphanet 139455, MedGen C3888198, MONDO:0012733, OMIM 611809.
Retinitis pigmentosa 50 (RP50). Also called: Retinitis pigmentosa, concentric. Identifiers: Orphanet 791, MedGen C2750789, MONDO:0013175, OMIM 613194.

Submissions (10):

Genetics Laboratory, Great Ormond Street Hospital NHS Foundation Trust, North Thames Genomic Laboratory Hub
Classification: Pathogenic for Retinal disorders. Last evaluated: 2026-03-27. Review status: criteria provided, single submitter. Criteria: ACGS Best Practice Guidelines for Variant Classification in Rare Disease 2024 v1.2. Collection method: clinical testing. Allele origin: germline. Affected: yes.
Comment: PS4_moderate, PM2_moderate, PP3_supporting, PM5_moderate, PS3_moderate, PP1_strong

Labcorp Genetics (formerly Invitae), Labcorp
Classification: Pathogenic. Last evaluated: 2026-01-12. Review status: criteria provided, single submitter. Criteria: Invitae Variant Classification Sherloc (09022015). Collection method: clinical testing. Allele origin: germline.
Comment: This sequence change replaces arginine, which is basic and polar, with cysteine, which is neutral and slightly polar, at codon 218 of the BEST1 protein (p.Arg218Cys). This variant is not present in population databases (gnomAD no frequency). This missense change has been observed in individuals with autosomal dominant Best vitelliform macular dystrophy (PMID: 28687848, 29781975). This variant has been reported in individual(s) with autosomal recessive bestrophinopathy (PMID: 30593719); however, the role of the variant in this condition is currently unclear. ClinVar contains an entry for this variant (Variation ID: 99735). Invitae Evidence Modeling of protein sequence and biophysical properties (such as structural, functional, and spatial information, amino acid conservation, physicochemical variation, residue mobility, and thermodynamic stability) indicates that this missense variant is expected to disrupt BEST1 protein function with a positive predictive value of 95%. Experimental studies have shown that this missense change affects BEST1 function (PMID: 21878505, 23825107). For these reasons, this variant has been classified as Pathogenic.

SingHealth Duke-NUS Institute of Precision Medicine
Classification: Pathogenic for Vitelliform macular dystrophy 2. Last evaluated: 2025-02-05. Review status: criteria provided, single submitter. Criteria: PRISM ACMG Classification Criteria. Collection method: clinical testing. Allele origin: germline. Affected: yes.
Comment: Variant is located in a mutational hotspot where >50% of variants are pathogenic (PM1) + (PM5, p.Arg218Leu; p.Arg218Gly; p.Arg218His). REVEL score is 0.9 (PP3_mod)). Prevalence in affected patients is greater compared to the general populace (PS4). + Experimental studies have shown that this missense change affects BEST1 function (PS3, PMID:15452084, 23825107).

Blueprint Genetics
Classification: Pathogenic for BEST1-related disorders. Last evaluated: 2024-07-02. Review status: criteria provided, single submitter. Criteria: ACMG Guidelines, 2015. Collection method: clinical testing. Allele origin: germline. Affected: yes. Observed: 5 variant alleles.

Institute of Human Genetics, Univ. Regensburg, Univ. Regensburg
Classification: Pathogenic for Retinal dystrophy. Last evaluated: 2023-01-01. Review status: criteria provided, single submitter. Criteria: ACMG Guidelines, 2015. Collection method: clinical testing. Allele origin: germline. Affected: yes.

GeneDx
Classification: Pathogenic. Last evaluated: 2020-12-16. Review status: criteria provided, single submitter. Criteria: GeneDx Variant Classification Process June 2021. Collection method: clinical testing. Allele origin: germline. Affected: yes.
Comment: Published functional studies demonstrate a damaging effect: while the protein possessing the R218C variant still localized to the plasma membrane, it failed to increase the Ca2+ dependent anion permeability in transfected cells (Milenkovic et al., 2011); Not observed in large population cohorts (Lek et al., 2016); In silico analysis supports that this missense variant has a deleterious effect on protein structure/function; Observed with an additional BEST1 variant in a patient with autosomal recessive bestrophinopathy in published literature, but it is not known whether the variants occurred on the same (in cis) or on different (in trans) chromosomes (Luo et al., 2019); This variant is associated with the following publications: (PMID: 28687848, 29555955, 21878505, 23825107, 25489231, 29668979, 9700209, 30593719, 31570112, 31519547, 32239196, 29288639, 23213274, 29781975, 22633354)

Fulgent Genetics
Classification: Pathogenic for Vitelliform macular dystrophy 2; Autosomal dominant vitreoretinochoroidopathy; Autosomal recessive bestrophinopathy; Retinitis pigmentosa 50. Last evaluated: 2018-10-31. Review status: criteria provided, single submitter. Criteria: ACMG Guidelines, 2015. Collection method: clinical testing. Allele origin: unknown.

Eurofins Ntd Llc (ga)
Classification: Likely pathogenic. Last evaluated: 2014-06-17. Review status: criteria provided, single submitter. Criteria: EGL Classification Definitions 2015. Collection method: clinical testing. Allele origin: germline. Observed: 1 variant allele, 1 heterozygote.

Department of Clinical Genetics, Copenhagen University Hospital, Rigshospitalet
Classification: Likely pathogenic for Vitelliform macular dystrophy type 2. Last evaluated: 2018-04-01. Review status: no assertion criteria provided. Collection method: research. Allele origin: unknown. Affected: yes. Study: VeluxRD. Not counted in ClinVar's aggregate classification.

Retina International
No classification provided. Review status: no classification provided. Collection method: not provided. Allele origin: not provided. Not counted in ClinVar's aggregate classification.

Literature cited by the submitters: PubMed 28687848 (cited by Labcorp Genetics (formerly Invitae), Labcorp and Institute of Human Genetics, Univ. Regensburg, Univ. Regensburg); PubMed 29781975 (cited by Labcorp Genetics (formerly Invitae), Labcorp and Institute of Human Genetics, Univ. Regensburg, Univ. Regensburg); PubMed 30593719 (cited by Labcorp Genetics (formerly Invitae), Labcorp and Institute of Human Genetics, Univ. Regensburg, Univ. Regensburg); PubMed 21878505 (cited by Labcorp Genetics (formerly Invitae), Labcorp and Institute of Human Genetics, Univ. Regensburg, Univ. Regensburg); PubMed 23825107 (cited by 3 submitters); PubMed 15452084 (cited by SingHealth Duke-NUS Institute of Precision Medicine); PubMed 9700209 (cited by Institute of Human Genetics, Univ. Regensburg, Univ. Regensburg and Eurofins Ntd Llc (ga)); PubMed 25489231 (cited by Institute of Human Genetics, Univ. Regensburg, Univ. Regensburg); PubMed 29555955 (cited by Institute of Human Genetics, Univ. Regensburg, Univ. Regensburg); PubMed 29668979 (cited by Institute of Human Genetics, Univ. Regensburg, Univ. Regensburg); PubMed 31570112 (cited by Institute of Human Genetics, Univ. Regensburg, Univ. Regensburg); PubMed 31519547 (cited by Institute of Human Genetics, Univ. Regensburg, Univ. Regensburg); PubMed 31429209 (cited by Institute of Human Genetics, Univ. Regensburg, Univ. Regensburg); PubMed 32239196 (cited by Institute of Human Genetics, Univ. Regensburg, Univ. Regensburg); PubMed 34327816 (cited by Institute of Human Genetics, Univ. Regensburg, Univ. Regensburg); PubMed 36512348 (cited by Institute of Human Genetics, Univ. Regensburg, Univ. Regensburg); PubMed 35260635 (cited by Institute of Human Genetics, Univ. Regensburg, Univ. Regensburg); PubMed 35656873 (cited by Institute of Human Genetics, Univ. Regensburg, Univ. Regensburg); PubMed 36460718 (cited by Institute of Human Genetics, Univ. Regensburg, Univ. Regensburg); PubMed 36284460 (cited by Institute of Human Genetics, Univ. Regensburg, Univ. Regensburg); PubMed 35973442 (cited by Institute of Human Genetics, Univ. Regensburg, Univ. Regensburg); PubMed 35456422 (cited by Institute of Human Genetics, Univ. Regensburg, Univ. Regensburg); PubMed 30718709 (cited by Department of Clinical Genetics, Copenhagen University Hospital, Rigshospitalet).